The following is an entry in ClinVar:

ClinVar aggregate classification (germline): Uncertain significance (1 of 4 stars; one submission).

gnomAD v4.1: 27 of 1,613,904 alleles (0.0017%); highest among the groups gnomAD compares: Non-Finnish European, 0.0021%; no homozygotes.

Submission:

Labcorp Genetics (formerly Invitae), Labcorp
Classification: Uncertain significance. Last evaluated: 2025-03-07. Review status: criteria provided, single submitter. Criteria: Invitae Variant Classification Sherloc (09022015). Collection method: clinical testing. Allele origin: germline.
Comment: This sequence change replaces arginine, which is basic and polar, with proline, which is neutral and non-polar, at codon 412 of the CYP11B2 protein (p.Arg412Pro). This variant is present in population databases (rs780112807, gnomAD 0.004%). This variant has not been reported in the literature in individuals affected with CYP11B2-related conditions. Invitae Evidence Modeling of protein sequence and biophysical properties (such as structural, functional, and spatial information, amino acid conservation, physicochemical variation, residue mobility, and thermodynamic stability) has been performed for this missense variant. However, the output from this modeling did not meet the statistical confidence thresholds required to predict the impact of this variant on CYP11B2 protein function. In summary, the available evidence is currently insufficient to determine the role of this variant in disease. Therefore, it has been classified as a Variant of Uncertain Significance.

NM_000498.3(CYP11B2):c.1235G>C (p.Arg412Pro)

Genes: CYP11B2 (cytochrome P450 family 11 subfamily B member 2; minus strand), LOC106799834 (CYP11B2 recombination region; plus strand). Cytogenetic location: 8q24.3.
Variant type: single nucleotide variant.
Coding change: c.1235G>C on transcript NM_000498.3 (MANE Select); coding-DNA position 1235, G replaced by C.
Protein change: p.Arg412Pro; replaces arginine 412 with proline.
Molecular consequence: missense variant.
Genome position (GRCh38, 1-based): chr8:142,912,693, C>G on the plus strand (G>C on the coding strand, the complement: CYP11B2 is on the minus strand). VCF-style: chr8-142912693-C-G. GRCh37 (hg19) VCF-style: chr8-143994109-C-G.
Other names: short protein forms R412P.
Identifiers: ClinVar variation 4775392 (VCV004775392.1).
Genomic context (GRCh38, chr8:142,912,693, plus strand): 5'-CTGATGTCTAGCCAGCGCTGGGGATTATACCGCTCAGGCCTCGGGAACAAGGCGGCATTG[C>G]GACCCAGCGAGTAGAGGAAAACCTGTACCAATGTCTGCGGACGGTGCAGAGCAGGGATCA-3'
Protein context (NP_000489.3, residues 402-422): LVQVFLYSLG[Arg412Pro]NAALFPRPER